The following is an entry in ClinVar:

NM_001042492.3(NF1):c.4110+2T>A

Gene: NF1 (neurofibromin 1; plus strand). Cytogenetic location: 17q11.2.
Variant type: single nucleotide variant.
Coding change: c.4110+2T>A on transcript NM_001042492.3 (MANE Select); the canonical splice donor site of the intron after coding-DNA position 4110, T replaced by A.
Molecular consequence: splice donor variant.
Genome position (GRCh38, 1-based): chr17:31,249,121, T>A. VCF-style: chr17-31249121-T-A. GRCh37 (hg19) VCF-style: chr17-29576139-T-A.
Other names: c.4110+2T>A (NM_000267.4, NM_000267.3).
Identifiers: ClinVar variation 3728484 (VCV003728484.3).

ClinVar aggregate classification (germline): Pathogenic/Likely pathogenic. Review status: criteria provided, multiple submitters, no conflicts (2 of 4 stars). 2 submissions from 2 submitters: Pathogenic (1); Likely pathogenic (1). Last evaluated 2025-10-20.

Conditions:
Neurofibromatosis, type 1 (NF1). Also called: NEUROFIBROMATOSIS, TYPE I, SOMATIC; Peripheral type neurofibromatosis; Neurofibromatosis, type I; VON RECKLINGHAUSEN DISEASE. Identifiers: Orphanet 636, MedGen C0027831, MONDO:0018975, OMIM 162200. Disease mechanism: loss of function.
Hereditary cancer-predisposing syndrome. Also called: Tumor predisposition; Hereditary Cancer Syndrome; Hereditary neoplastic syndrome; Neoplastic Syndromes, Hereditary. Identifiers: Orphanet 140162, MedGen C0027672, MeSH D009386, MONDO:0015356.
Cardiovascular phenotype. Identifiers: MedGen CN230736.

Submissions (2):

Ambry Genetics
Classification: Likely pathogenic for Cardiovascular phenotype; Hereditary cancer-predisposing syndrome. Last evaluated: 2025-10-20. Review status: criteria provided, single submitter. Criteria: Ambry Variant Classification Scheme 2023. Collection method: clinical testing. Allele origin: germline.
Comment: The c.4110+2T>A intronic variant results from a T to A substitution two nucleotides after coding exon 30 in the NF1 gene. Other variant(s) impacting the same donor site (c.4110+1G>A) have been identified in individual(s) with features consistent with neurofibromatosis type 1 (Ambry internal data).This variant is considered to be rare based on population cohorts in the Genome Aggregation Database (gnomAD). This nucleotide position is highly conserved in available vertebrate species. In silico splice site analysis predicts that this alteration will weaken the native splice donor site; however, direct evidence is insufficient at this time (Ambry internal data). Alterations that disrupt the canonical splice site are expected to cause aberrant splicing, resulting in an abnormal protein or a transcript that is subject to nonsense-mediated mRNA decay. As such, this alteration is classified as likely pathogenic.

Labcorp Genetics (formerly Invitae), Labcorp
Classification: Pathogenic for Neurofibromatosis, type 1. Last evaluated: 2025-01-05. Review status: criteria provided, single submitter. Criteria: Invitae Variant Classification Sherloc (09022015). Collection method: clinical testing. Allele origin: germline.
Comment: This sequence change affects a donor splice site in intron 30 of the NF1 gene. It is expected to disrupt RNA splicing. Variants that disrupt the donor or acceptor splice site typically lead to a loss of protein function (PMID: 16199547), and loss-of-function variants in NF1 are known to be pathogenic (PMID: 10712197, 23913538). This variant is not present in population databases (gnomAD no frequency). Disruption of this splice site has been observed in individual(s) with clinical features of neurofibromatosis type 1 (internal data). Algorithms developed to predict the effect of sequence changes on RNA splicing suggest that this variant may disrupt the consensus splice site. For these reasons, this variant has been classified as Pathogenic.

Literature cited by the submitters: PubMed 16199547 (cited by Labcorp Genetics (formerly Invitae), Labcorp); PubMed 10712197 (cited by Labcorp Genetics (formerly Invitae), Labcorp); PubMed 23913538 (cited by Labcorp Genetics (formerly Invitae), Labcorp).